The following is an entry in ClinVar:

ClinVar aggregate classification (germline): Pathogenic (1 of 4 stars; one submission).

Submission:

Labcorp Genetics (formerly Invitae), Labcorp
Classification: Pathogenic. Last evaluated: 2019-07-11. Review status: criteria provided, single submitter. Criteria: Invitae Variant Classification Sherloc (09022015). Collection method: clinical testing. Allele origin: germline.
Comment: This variant has not been reported in the literature in individuals with EYS-related conditions. This variant is a gross deletion of the genomic region encompassing exons 3-14 of the EYS gene, which includes the initiator codon. The 5' end of this event is unknown as it extends beyond the assayed region for this gene and therefore may encompass additional genes. The 3' boundary is likely confined to intron 14 of the EYS gene. This is expected to result in an absent or disrupted protein product. Loss-of-function variants in EYS are known to be pathogenic (PMID: 18836446, 20333770). For these reasons, this variant has been classified as Pathogenic.

Literature cited by the submitters: PubMed 18836446; PubMed 20333770.

NC_000006.12:g.(?_64997572)_(65495865_?)del

Gene: EYS (eyes shut homolog; minus strand). Cytogenetic location: 6q12.
Variant type: Deletion.
Identifiers: ClinVar variation 831737 (VCV000831737.7).